The following is an entry in ClinVar:

ClinVar aggregate classification (germline): Uncertain significance. Review status: criteria provided, multiple submitters, no conflicts (2 of 4 stars). 2 submissions from 2 submitters: Uncertain significance (2). Last evaluated 2023-02-24.

Conditions:
Hereditary cancer-predisposing syndrome. Also called: Hereditary neoplastic syndrome; Neoplastic Syndromes, Hereditary; Tumor predisposition; Hereditary Cancer Syndrome. Identifiers: Orphanet 140162, MedGen C0027672, MeSH D009386, MONDO:0015356.

gnomAD v4.1: 1 of 1,614,156 alleles (0.000062%); no homozygotes.

Submissions (2):

Ambry Genetics
Classification: Uncertain significance for Hereditary cancer-predisposing syndrome. Last evaluated: 2023-02-24. Review status: criteria provided, single submitter. Criteria: Ambry Variant Classification Scheme 2023. Collection method: clinical testing. Allele origin: germline.
Comment: The p.A835P variant (also known as c.2503G>C), located in coding exon 17 of the CTNNA1 gene, results from a G to C substitution at nucleotide position 2503. The alanine at codon 835 is replaced by proline, an amino acid with highly similar properties. This amino acid position is conserved. In addition, the in silico prediction for this alteration is inconclusive. Since supporting evidence is limited at this time, the clinical significance of this alteration remains unclear.

Labcorp Genetics (formerly Invitae), Labcorp
Classification: Uncertain significance. Last evaluated: 2021-07-29. Review status: criteria provided, single submitter. Criteria: Invitae Variant Classification Sherloc (09022015). Collection method: clinical testing. Allele origin: germline.
Comment: In summary, the available evidence is currently insufficient to determine the role of this variant in disease. Therefore, it has been classified as a Variant of Uncertain Significance. Algorithms developed to predict the effect of missense changes on protein structure and function are either unavailable or do not agree on the potential impact of this missense change (SIFT: "Deleterious"; PolyPhen-2: "Probably Damaging"; Align-GVGD: "Class C0"). This variant has not been reported in the literature in individuals affected with CTNNA1-related conditions. This variant is not present in population databases (ExAC no frequency). This sequence change replaces alanine with proline at codon 835 of the CTNNA1 protein (p.Ala835Pro). The alanine residue is highly conserved and there is a small physicochemical difference between alanine and proline.

NM_001903.5(CTNNA1):c.2503G>C (p.Ala835Pro)

Gene: CTNNA1 (catenin alpha 1; plus strand). Cytogenetic location: 5q31.2.
Variant type: single nucleotide variant.
Coding change: c.2503G>C on transcript NM_001903.5 (MANE Select); coding-DNA position 2503, G replaced by C.
Protein change: p.Ala835Pro; replaces alanine 835 with proline.
Molecular consequence: missense variant. On other transcripts: 3 prime UTR variant (5).
Genome position (GRCh38, 1-based): chr5:138,933,871, G>C. VCF-style: chr5-138933871-G-C. GRCh37 (hg19) VCF-style: chr5-138269560-G-C.
Other names: c.*48G>C (NM_001290307.3, NM_001324002.1, NM_001324003.1 and 2 more transcripts); c.2194G>C, p.Ala732Pro (NM_001290309.3); c.2134G>C, p.Ala712Pro (NM_001290310.3); c.1393G>C, p.Ala465Pro (NM_001290312.1, NM_001323987.1, NM_001323988.1 and 12 more transcripts); c.2503G>C, p.Ala835Pro (NM_001323982.2, NM_001323983.1, NM_001323984.2); c.2476G>C, p.Ala826Pro (NM_001323985.2); c.2410G>C, p.Ala804Pro (NM_001323986.2); c.1054G>C, p.Ala352Pro (NM_001324006.1, NM_001324007.1, NM_001324008.1 and 2 more transcripts); and 4 more; short protein forms A420P, A465P, A804P, A384P, A712P, A352P, A732P, A826P.
Identifiers: ClinVar variation 1508642 (VCV001508642.7), dbSNP rs924303936, ClinGen allele CA361135241.